The following is an entry in ClinVar:

ClinVar aggregate classification (germline): Uncertain significance. Review status: criteria provided, single submitter (1 of 4 stars). 2 submissions from 2 submitters: Uncertain significance (1). 1 of the submissions does not count toward it. Last evaluated 2022-05-09.

Conditions:
Carnitine palmitoyltransferase II deficiency. Also called: Carnitine Palmitoyltransferase 2 Deficiency. Identifiers: Orphanet 157, MedGen C0342790, MONDO:0015515.

Allele frequency attached by ClinVar (database versions not stated): gnomAD exomes below 0.00001 and 0.00001; TOPMed below 0.00001; ExAC 0.00001; gnomAD 0.00001.
gnomAD v4.1: 6 of 1,614,020 alleles (0.00037%); highest among the groups gnomAD compares: African/African-American, 0.0013%; no homozygotes.

Submissions (2):

Labcorp Genetics (formerly Invitae), Labcorp
Classification: Uncertain significance for Carnitine palmitoyltransferase II deficiency. Last evaluated: 2022-05-09. Review status: criteria provided, single submitter. Criteria: Invitae Variant Classification Sherloc (09022015). Collection method: clinical testing. Allele origin: germline.
Comment: This sequence change replaces serine, which is neutral and polar, with leucine, which is neutral and non-polar, at codon 320 of the CPT2 protein (p.Ser320Leu). This variant is present in population databases (rs763703786, gnomAD 0.002%). This variant has not been reported in the literature in individuals affected with CPT2-related conditions. ClinVar contains an entry for this variant (Variation ID: 965107). Algorithms developed to predict the effect of missense changes on protein structure and function are either unavailable or do not agree on the potential impact of this missense change (SIFT: "Deleterious"; PolyPhen-2: "Probably Damaging"; Align-GVGD: "Class C15"). In summary, the available evidence is currently insufficient to determine the role of this variant in disease. Therefore, it has been classified as a Variant of Uncertain Significance.

Natera, Inc.
Classification: Uncertain significance for Carnitine palmitoyltransferase II deficiency. Last evaluated: 2020-01-17. Review status: no assertion criteria provided. Collection method: clinical testing. Allele origin: germline. Not counted in ClinVar's aggregate classification.

NM_000098.3(CPT2):c.959C>T (p.Ser320Leu)

Gene: CPT2 (carnitine palmitoyltransferase 2; plus strand). Cytogenetic location: 1p32.3.
Variant type: single nucleotide variant.
Coding change: c.959C>T on transcript NM_000098.3 (MANE Select); coding-DNA position 959, C replaced by T.
Protein change: p.Ser320Leu; replaces serine 320 with leucine.
Molecular consequence: missense variant.
Genome position (GRCh38, 1-based): chr1:53,210,633, C>T. VCF-style: chr1-53210633-C-T. GRCh37 (hg19) VCF-style: chr1-53676305-C-T.
Other names: c.959C>T, p.Ser320Leu (NM_001330589.2); short protein forms S320L.
Identifiers: ClinVar variation 965107 (VCV000965107.9), dbSNP rs763703786, ClinGen allele CA859094.